The following is an entry in ClinVar:

NM_001031689.3(PLAA):c.2276C>T (p.Ala759Val)

Gene: PLAA (phospholipase A2 activating protein; minus strand). Cytogenetic location: 9p21.2.
Variant type: single nucleotide variant.
Coding change: c.2276C>T on transcript NM_001031689.3 (MANE Select); coding-DNA position 2276, C replaced by T.
Protein change: p.Ala759Val; replaces alanine 759 with valine.
Molecular consequence: missense variant.
Genome position (GRCh38, 1-based): chr9:26,905,623, G>A on the plus strand (C>T on the coding strand, the complement: PLAA is on the minus strand). VCF-style: chr9-26905623-G-A. GRCh37 (hg19) VCF-style: chr9-26905621-G-A.
Other names: c.2207C>T, p.Ala736Val (NM_001321546.2); short protein forms A759V, A736V.
Identifiers: ClinVar variation 2094863 (VCV002094863.4), dbSNP rs2489156209, ClinGen allele CA373125012.

ClinVar aggregate classification (germline): Uncertain significance (1 of 4 stars; one submission).

Submission:

Labcorp Genetics (formerly Invitae), Labcorp
Classification: Uncertain significance. Last evaluated: 2022-02-08. Review status: criteria provided, single submitter. Criteria: Invitae Variant Classification Sherloc (09022015). Collection method: clinical testing. Allele origin: germline.
Comment: This variant is not present in population databases (gnomAD no frequency). This sequence change replaces alanine, which is neutral and non-polar, with valine, which is neutral and non-polar, at codon 759 of the PLAA protein (p.Ala759Val). This variant has not been reported in the literature in individuals affected with PLAA-related conditions. Algorithms developed to predict the effect of missense changes on protein structure and function are either unavailable or do not agree on the potential impact of this missense change (SIFT: "Tolerated"; PolyPhen-2: "Possibly Damaging"; Align-GVGD: "Class C0"). In summary, the available evidence is currently insufficient to determine the role of this variant in disease. Therefore, it has been classified as a Variant of Uncertain Significance.